The following is an entry in ClinVar:

NM_002095.6(GTF2E2):c.481C>T (p.Arg161Ter)

Gene: GTF2E2 (general transcription factor IIE subunit 2; minus strand). Cytogenetic location: 8p12.
Variant type: single nucleotide variant.
Coding change: c.481C>T on transcript NM_002095.6 (MANE Select); coding-DNA position 481, C replaced by T.
Protein change: p.Arg161Ter; replaces arginine 161 with a stop codon.
Molecular consequence: nonsense.
Genome position (GRCh38, 1-based): chr8:30,612,367, G>A on the plus strand (C>T on the coding strand, the complement: GTF2E2 is on the minus strand). VCF-style: chr8-30612367-G-A. GRCh37 (hg19) VCF-style: chr8-30469884-G-A.
Other names: c.481C>T, p.Arg161Ter (NM_001348353.1); short protein forms R161*.
Identifiers: ClinVar variation 1910587 (VCV001910587.4), dbSNP rs2487815949, ClinGen allele CA370879308.

ClinVar aggregate classification (germline): Uncertain significance (1 of 4 stars; one submission).

Allele frequency attached by ClinVar (database versions not stated): gnomAD exomes below 0.00001.
gnomAD v4.1: 2 of 1,612,326 alleles (0.00012%); highest among the groups gnomAD compares: Non-Finnish European, 0.000085%; no homozygotes.

Submission:

Labcorp Genetics (formerly Invitae), Labcorp
Classification: Uncertain significance. Last evaluated: 2022-03-23. Review status: criteria provided, single submitter. Criteria: Invitae Variant Classification Sherloc (09022015). Collection method: clinical testing. Allele origin: germline.
Comment: This variant has not been reported in the literature in individuals affected with GTF2E2-related conditions. In summary, the available evidence is currently insufficient to determine the role of this variant in disease. Therefore, it has been classified as a Variant of Uncertain Significance. Experimental studies and prediction algorithms are not available or were not evaluated, and the functional significance of this variant is currently unknown. This variant is not present in population databases (gnomAD no frequency). This sequence change creates a premature translational stop signal (p.Arg161*) in the GTF2E2 gene. It is expected to result in an absent or disrupted protein product. However, the current clinical and genetic evidence is not sufficient to establish whether loss-of-function variants in GTF2E2 cause disease.